The following is an entry in ClinVar:

ClinVar aggregate classification (germline): Uncertain significance (1 of 4 stars; one submission).

gnomAD v4.1: 1 of 1,614,056 alleles (0.000062%); highest among the groups gnomAD compares: Admixed American, 0.0017%; no homozygotes.

Submission:

Labcorp Genetics (formerly Invitae), Labcorp
Classification: Uncertain significance. Last evaluated: 2023-04-09. Review status: criteria provided, single submitter. Criteria: Invitae Variant Classification Sherloc (09022015). Collection method: clinical testing. Allele origin: germline.
Comment: In summary, the available evidence is currently insufficient to determine the role of this variant in disease. Therefore, it has been classified as a Variant of Uncertain Significance. Advanced modeling of protein sequence and biophysical properties (such as structural, functional, and spatial information, amino acid conservation, physicochemical variation, residue mobility, and thermodynamic stability) performed at Invitae indicates that this missense variant is not expected to disrupt LONP1 protein function. ClinVar contains an entry for this variant (Variation ID: 1999487). This variant has not been reported in the literature in individuals affected with LONP1-related conditions. This variant is not present in population databases (gnomAD no frequency). This sequence change replaces lysine, which is basic and polar, with threonine, which is neutral and polar, at codon 918 of the LONP1 protein (p.Lys918Thr).

NM_004793.4(LONP1):c.2753A>C (p.Lys918Thr)

Gene: LONP1 (lon peptidase 1, mitochondrial; minus strand). Cytogenetic location: 19p13.3.
Variant type: single nucleotide variant.
Coding change: c.2753A>C on transcript NM_004793.4 (MANE Select); coding-DNA position 2753, A replaced by C.
Protein change: p.Lys918Thr; replaces lysine 918 with threonine.
Molecular consequence: missense variant. On other transcripts: non-coding transcript variant (1).
Genome position (GRCh38, 1-based): chr19:5,692,159, T>G on the plus strand (A>C on the coding strand, the complement: LONP1 is on the minus strand). VCF-style: chr19-5692159-T-G. GRCh37 (hg19) VCF-style: chr19-5692170-T-G.
Other names: c.2561A>C, p.Lys854Thr (NM_001276479.2); c.2165A>C, p.Lys722Thr (NM_001276480.1); short protein forms K854T, K722T, K918T.
Identifiers: ClinVar variation 1999487 (VCV001999487.4), dbSNP rs771250941, ClinGen allele CA403525159.